The following is an entry in ClinVar:

NM_001999.4(FBN2):c.436+4T>C

Gene: FBN2 (fibrillin 2; minus strand). Cytogenetic location: 5q23.3.
Variant type: single nucleotide variant.
Coding change: c.436+4T>C on transcript NM_001999.4 (MANE Select); 4 bases into the intron after coding-DNA position 436, T replaced by C.
Molecular consequence: intron variant.
Genome position (GRCh38, 1-based): chr5:128,530,591, A>G on the plus strand (T>C on the coding strand, the complement: FBN2 is on the minus strand). VCF-style: chr5-128530591-A-G. GRCh37 (hg19) VCF-style: chr5-127866284-A-G.
Identifiers: ClinVar variation 3695221 (VCV003695221.2).

ClinVar aggregate classification (germline): Uncertain significance (1 of 4 stars; one submission).

Conditions:
Congenital contractural arachnodactyly (CCA). Also called: BEALS SYNDROME; Beals-Hecht syndrome; Arthrogryposis, distal, type 9. Identifiers: Orphanet 115, MedGen C0220668, MONDO:0007363, OMIM 121050.

gnomAD v4.1: 3 of 1,592,752 alleles (0.00019%); highest among the groups gnomAD compares: Non-Finnish European, 0.00017%; no homozygotes.

Submission:

Labcorp Genetics (formerly Invitae), Labcorp
Classification: Uncertain significance for Congenital contractural arachnodactyly. Last evaluated: 2024-10-29. Review status: criteria provided, single submitter. Criteria: Invitae Variant Classification Sherloc (09022015). Collection method: clinical testing. Allele origin: germline.
Comment: This sequence change falls in intron 3 of the FBN2 gene. It does not directly change the encoded amino acid sequence of the FBN2 protein. It affects a nucleotide within the consensus splice site. This variant is not present in population databases (gnomAD no frequency). This variant has not been reported in the literature in individuals affected with FBN2-related conditions. Variants that disrupt the consensus splice site are a relatively common cause of aberrant splicing (PMID: 17576681, 9536098). Algorithms developed to predict the effect of sequence changes on RNA splicing suggest that this variant is not likely to affect RNA splicing. In summary, the available evidence is currently insufficient to determine the role of this variant in disease. Therefore, it has been classified as a Variant of Uncertain Significance.

Literature cited by the submitters: PubMed 17576681; PubMed 9536098.